The following is an entry in ClinVar:

NM_000020.3(ACVRL1):c.1414T>C (p.Trp472Arg)

Gene: ACVRL1 (activin A receptor like type 1; plus strand). Cytogenetic location: 12q13.13.
Variant type: single nucleotide variant.
Coding change: c.1414T>C on transcript NM_000020.3 (MANE Select); coding-DNA position 1414, T replaced by C.
Protein change: p.Trp472Arg; replaces tryptophan 472 with arginine.
Molecular consequence: missense variant.
Genome position (GRCh38, 1-based): chr12:51,920,795, T>C. VCF-style: chr12-51920795-T-C. GRCh37 (hg19) VCF-style: chr12-52314579-T-C.
Other names: c.1414T>C, p.Trp472Arg (NM_001077401.2, NM_001406487.1); c.1258T>C, p.Trp420Arg (NM_001406490.1); c.1102T>C, p.Trp368Arg (NM_001406491.1, NM_001406492.1); c.904T>C, p.Trp302Arg (NM_001406494.1); c.850T>C, p.Trp284Arg (NM_001406495.1); short protein forms W302R, W472R, W420R, W284R, W368R.
Identifiers: ClinVar variation 1772110 (VCV001772110.5), dbSNP rs2540174549, ClinGen allele CA384905508.
Genomic context (GRCh38, chr12:51,920,795, plus strand): 5'-CTGCACCTCTCTCCCAACCCCCAGGTCCTCTCAGGCCTAGCTCAGATGATGCGGGAGTGC[T>C]GGTACCCAAACCCCTCTGCCCGACTCACCGCGCTGCGGATCAAGAAGACACTACAAAAAA-3'
Protein context (NP_000011.2, residues 462-482): SGLAQMMREC[Trp472Arg]YPNPSARLTA

ClinVar aggregate classification (germline): Conflicting classifications of pathogenicity. Review status: criteria provided, conflicting classifications (1 of 4 stars). 2 submissions from 2 submitters: Likely pathogenic (1); Uncertain significance (1). Last evaluated 2026-02-25.

Conditions:
Cardiovascular phenotype. Identifiers: MedGen CN230736.
Telangiectasia, hereditary hemorrhagic, type 2 (HHT2). Also called: ACVRL1-Related Hereditary Hemorrhagic Telangiectasia; Telangiectasia, hereditary hemorrhagic, type II. Identifiers: Orphanet 774, MedGen C1838163, MONDO:0010880, OMIM 600376. Disease mechanism: loss of function.

Submissions (2):

Ambry Genetics
Classification: Uncertain significance for Cardiovascular phenotype. Last evaluated: 2026-02-25. Review status: criteria provided, single submitter. Criteria: Ambry Variant Classification Scheme 2023. Collection method: clinical testing. Allele origin: germline.
Comment: The p.W472R variant (also known as c.1414T>C), located in coding exon 9 of the ACVRL1 gene, results from a T to C substitution at nucleotide position 1414. The tryptophan at codon 472 is replaced by arginine, an amino acid with dissimilar properties. This variant was reported in individual(s) with features consistent with thoracic aortic aneurysm and dissection (TAAD) (Ambry internal data). This amino acid position is highly conserved in available vertebrate species. In addition, this alteration is predicted to be deleterious by in silico analysis. Since supporting evidence is limited at this time, the clinical significance of this alteration remains unclear.

Labcorp Genetics (formerly Invitae), Labcorp
Classification: Likely pathogenic for Telangiectasia, hereditary hemorrhagic, type 2. Last evaluated: 2025-05-01. Review status: criteria provided, single submitter. Criteria: Invitae Variant Classification Sherloc (09022015). Collection method: clinical testing. Allele origin: germline.
Comment: This sequence change replaces tryptophan, which is neutral and slightly polar, with arginine, which is basic and polar, at codon 472 of the ACVRL1 protein (p.Trp472Arg). This variant is not present in population databases (gnomAD no frequency). This missense change has been observed in individual(s) with hereditary hemorrhagic telangiectasia (internal data). ClinVar contains an entry for this variant (Variation ID: 1772110). Invitae Evidence Modeling of protein sequence and biophysical properties (such as structural, functional, and spatial information, amino acid conservation, physicochemical variation, residue mobility, and thermodynamic stability) indicates that this missense variant is expected to disrupt ACVRL1 protein function with a positive predictive value of 95%. This variant disrupts the p.Trp472 amino acid residue in ACVRL1. Other variant(s) that disrupt this residue have been determined to be pathogenic (internal data). This suggests that this residue is clinically significant, and that variants that disrupt this residue are likely to be disease-causing. In summary, the currently available evidence indicates that the variant is pathogenic, but additional data are needed to prove that conclusively. Therefore, this variant has been classified as Likely Pathogenic.